The following is an entry in ClinVar:

ClinVar aggregate classification (germline): Uncertain significance (1 of 4 stars; one submission).

Submission:

GeneDx
Classification: Uncertain significance. Last evaluated: 2025-03-08. Review status: criteria provided, single submitter. Criteria: GeneDx Variant Classification Process June 2021. Collection method: clinical testing. Allele origin: germline. Affected: yes.
Comment: Not observed at significant frequency in large population cohorts (gnomAD); In silico analysis indicates that this missense variant does not alter protein structure/function; Has not been previously published as pathogenic or benign to our knowledge

NM_018896.5(CACNA1G):c.7126G>C (p.Asp2376His)

Gene: CACNA1G (calcium voltage-gated channel subunit alpha1 G; plus strand). Cytogenetic location: 17q21.33.
Variant type: single nucleotide variant.
Coding change: c.7126G>C on transcript NM_018896.5 (MANE Select); coding-DNA position 7126, G replaced by C.
Protein change: p.Asp2376His; replaces aspartic acid 2376 with histidine.
Molecular consequence: missense variant. On other transcripts: non-coding transcript variant (5).
Genome position (GRCh38, 1-based): chr17:50,626,743, G>C. VCF-style: chr17-50626743-G-C. GRCh37 (hg19) VCF-style: chr17-48704104-G-C.
Other names: c.6937G>C, p.Asp2313His (NM_001256324.2); c.6868G>C, p.Asp2290His (NM_001256325.2); c.6856G>C, p.Asp2286His (NM_001256326.2); c.6826G>C, p.Asp2276His (NM_001256327.2); c.6772G>C, p.Asp2258His (NM_001256328.2); c.6745G>C, p.Asp2249His (NM_001256329.2, NM_198387.3); c.6712G>C, p.Asp2238His (NM_001256330.2); c.6691G>C, p.Asp2231His (NM_001256331.2); and 18 more; short protein forms D2170H, D2193H, D2204H, D2226H, D2231H, D2238H, D2242H, D2245H.
Identifiers: ClinVar variation 4082894 (VCV004082894.1).